The following is an entry in ClinVar:

NC_000016.10:g.970985G>A

Genes: LMF1 (lipase maturation factor 1; minus strand), LOC130058141 (ATAC-STARR-seq lymphoblastoid silent region 6962; plus strand). Cytogenetic location: 16p13.3.
Variant type: single nucleotide variant.
Molecular consequence: 5 prime UTR variant (on NM_001352020.1). On other transcripts: intron variant (3).
Genome position: GRCh38 VCF-style: chr16-970985-G-A. GRCh37 (hg19) VCF-style: chr16-1020985-G-A.
Other names: c.-5C>T (NM_001352020.1); c.-135+10160C>T (NM_001352019.2); c.-611+10160C>T (NM_001352017.2); c.-362+10160C>T (NM_001352018.2).
Identifiers: ClinVar variation 3045975 (VCV003045975.2), dbSNP rs748737051, ClinGen allele CA7797816.

ClinVar aggregate classification (germline): Uncertain significance. Review status: criteria provided, single submitter (1 of 4 stars). 2 submissions from 2 submitters: Uncertain significance (1). 1 of the submissions does not count toward it. Last evaluated 2025-11-19.

Conditions:
Cardiovascular phenotype. Identifiers: MedGen CN230736.
LMF1-related disorder. Also called: LMF1-related condition.

Allele frequency attached by ClinVar (database versions not stated): TOPMed 0.00016; gnomAD 0.00017; ExAC 0.00021; gnomAD exomes 0.00013.
gnomAD v4.1: 203 of 1,488,286 alleles (0.014%); highest among the groups gnomAD compares: Middle Eastern, 0.068%; no homozygotes.

Submissions (2):

Ambry Genetics
Classification: Uncertain significance for Cardiovascular phenotype. Last evaluated: 2025-11-19. Review status: criteria provided, single submitter. Criteria: Ambry Variant Classification Scheme 2023. Collection method: clinical testing. Allele origin: germline.
Comment: The c.-5C>T variant is located in the 5' untranslated region (5&rsquo; UTR) of the LMF1 gene. This variant results from a C to T substitution 5 bases upstream from the first translated codon. This nucleotide position is not well conserved in available vertebrate species. Based on the available evidence, the clinical significance of this variant remains unclear.

PreventionGenetics, part of Exact Sciences
Classification: Likely benign for LMF1-related condition. Last evaluated: 2019-10-28. Review status: no assertion criteria provided. Collection method: clinical testing. Allele origin: germline. Not counted in ClinVar's aggregate classification.
Comment: This variant is classified as likely benign based on ACMG/AMP sequence variant interpretation guidelines (Richards et al. 2015 PMID: 25741868, with internal and published modifications).

Literature cited by the submitters: PubMed 36325899 (cited by Ambry Genetics).